The following is an entry in ClinVar:

ClinVar aggregate classification (germline): Conflicting classifications of pathogenicity. Review status: criteria provided, conflicting classifications (1 of 4 stars). 3 submissions from 3 submitters: Uncertain significance (1); Benign (1); Likely benign (1). Last evaluated 2026-01-11.

Conditions:
Cardiovascular phenotype. Identifiers: MedGen CN230736.
Hypertrophic cardiomyopathy. Also called: HYPERTROPHIC MYOCARDIOPATHY. Identifiers: Orphanet 217569, MedGen C0007194, MeSH D002312, MONDO:0005045, HP:0001639.

Allele frequency attached by ClinVar (database versions not stated): gnomAD 0.00001 and 0.00004; TOPMed 0.00002; gnomAD exomes 0.00005 and 0.00014; ExAC 0.00007; 1000 Genomes Project 30x 0.00031; 1000 Genomes Project 0.00040.
gnomAD v4.1: 205 of 1,612,570 alleles (0.013%); highest among the groups gnomAD compares: East Asian, 0.46%; 3 homozygotes.

Submissions (3):

Labcorp Genetics (formerly Invitae), Labcorp
Classification: Uncertain significance for Hypertrophic cardiomyopathy. Last evaluated: 2026-01-11. Review status: criteria provided, single submitter. Criteria: Invitae Variant Classification Sherloc (09022015). Collection method: clinical testing. Allele origin: germline.
Comment: This sequence change affects codon 25 of the MYOZ2 mRNA. It is a 'silent' change, meaning that it does not change the encoded amino acid sequence of the MYOZ2 protein. It affects a nucleotide within the consensus splice site. This variant is present in population databases (rs201476980, gnomAD 0.07%), and has an allele count higher than expected for a pathogenic variant. This variant has not been reported in the literature in individuals affected with MYOZ2-related conditions. ClinVar contains an entry for this variant (Variation ID: 518777). Algorithms developed to predict the effect of sequence changes on RNA splicing suggest that this variant is not likely to affect RNA splicing. In summary, the available evidence is currently insufficient to determine the role of this variant in disease. Therefore, it has been classified as a Variant of Uncertain Significance.

Women's Health and Genetics/Laboratory Corporation of America, LabCorp
Classification: Benign. Last evaluated: 2023-04-26. Review status: criteria provided, single submitter. Criteria: LabCorp Variant Classification Summary - May 2015. Collection method: clinical testing. Allele origin: germline.

Ambry Genetics
Classification: Likely benign for Cardiovascular phenotype. Last evaluated: 2016-02-01. Review status: criteria provided, single submitter. Criteria: Ambry Variant Classification Scheme 2023. Collection method: clinical testing. Allele origin: germline.

NM_016599.5(MYOZ2):c.75T>C (p.Asn25=)

Gene: MYOZ2 (myozenin 2; plus strand). Cytogenetic location: 4q26.
Variant type: single nucleotide variant.
Coding change: c.75T>C on transcript NM_016599.5 (MANE Select); coding-DNA position 75, T replaced by C.
Protein change: p.Asn25=; no amino-acid change (asparagine 25 retained).
Molecular consequence: synonymous variant.
Genome position (GRCh38, 1-based): chr4:119,136,600, T>C. VCF-style: chr4-119136600-T-C. GRCh37 (hg19) VCF-style: chr4-120057755-T-C.
Identifiers: ClinVar variation 518777 (VCV000518777.12), dbSNP rs201476980, ClinGen allele CA3058527.